The following is an entry in ClinVar:

ClinVar aggregate classification (germline): Uncertain significance (1 of 4 stars; one submission).

Submission:

Labcorp Genetics (formerly Invitae), Labcorp
Classification: Uncertain significance. Last evaluated: 2025-01-29. Review status: criteria provided, single submitter. Criteria: Invitae Variant Classification Sherloc (09022015). Collection method: clinical testing. Allele origin: germline.
Comment: This sequence change replaces valine, which is neutral and non-polar, with alanine, which is neutral and non-polar, at codon 493 of the MSH3 protein (p.Val493Ala). This variant is not present in population databases (gnomAD no frequency). This variant has not been reported in the literature in individuals affected with MSH3-related conditions. An algorithm developed to predict the effect of missense changes on protein structure and function (PolyPhen-2) suggests that this variant is likely to be tolerated. In summary, the available evidence is currently insufficient to determine the role of this variant in disease. Therefore, it has been classified as a Variant of Uncertain Significance.

NM_002439.5(MSH3):c.1478T>C (p.Val493Ala)

Gene: MSH3 (mutS homolog 3; plus strand). Cytogenetic location: 5q14.1.
Variant type: single nucleotide variant.
Coding change: c.1478T>C on transcript NM_002439.5 (MANE Select); coding-DNA position 1478, T replaced by C.
Protein change: p.Val493Ala; replaces valine 493 with alanine.
Molecular consequence: missense variant.
Genome position (GRCh38, 1-based): chr5:80,728,875, T>C. VCF-style: chr5-80728875-T-C. GRCh37 (hg19) VCF-style: chr5-80024694-T-C.
Other names: short protein forms V493A.
Identifiers: ClinVar variation 3729758 (VCV003729758.2).